The following is an entry in ClinVar:

ClinVar aggregate classification (germline): Uncertain significance. Review status: criteria provided, multiple submitters, no conflicts (2 of 4 stars). 3 submissions from 3 submitters: Uncertain significance (2). 1 of the submissions does not count toward it. Last evaluated 2023-12-23.

Conditions:
Inborn genetic diseases. Identifiers: MedGen C0950123, MeSH D030342.
AFF4-related disorder. Also called: AFF4-related condition.
Cognitive impairment - coarse facies - heart defects - obesity - pulmonary involvement - short stature - skeletal dysplasia syndrome. Also called: COGNITIVE IMPAIRMENT, COARSE FACIES, HEART DEFECTS, OBESITY, PULMONARY INVOLVEMENT, SHORT STATURE, AND SKELETAL DYSPLASIA; Chops syndrome; AFF4-Related CHOPS Syndrome. Identifiers: Orphanet 444077, MedGen C4085597, MONDO:0014609, OMIM 616368.

Allele frequency attached by ClinVar (database versions not stated): ExAC 0.00002; gnomAD 0.00004; TOPMed 0.00004.
gnomAD v4.1: 84 of 1,613,692 alleles (0.0052%); highest among the groups gnomAD compares: Non-Finnish European, 0.0069%; no homozygotes.

Submissions (3):

Labcorp Genetics (formerly Invitae), Labcorp
Classification: Uncertain significance for Cognitive impairment - coarse facies - heart defects - obesity - pulmonary involvement - short stature - skeletal dysplasia syndrome. Last evaluated: 2023-12-23. Review status: criteria provided, single submitter. Criteria: Invitae Variant Classification Sherloc (09022015). Collection method: clinical testing. Allele origin: germline.
Comment: This sequence change replaces alanine, which is neutral and non-polar, with threonine, which is neutral and polar, at codon 27 of the AFF4 protein (p.Ala27Thr). This variant is present in population databases (rs760715292, gnomAD 0.006%). This variant has not been reported in the literature in individuals affected with AFF4-related conditions. ClinVar contains an entry for this variant (Variation ID: 2192863). Advanced modeling of protein sequence and biophysical properties (such as structural, functional, and spatial information, amino acid conservation, physicochemical variation, residue mobility, and thermodynamic stability) performed at Invitae indicates that this missense variant is not expected to disrupt AFF4 protein function with a negative predictive value of 80%. In summary, the available evidence is currently insufficient to determine the role of this variant in disease. Therefore, it has been classified as a Variant of Uncertain Significance.

Ambry Genetics
Classification: Uncertain significance for Inborn genetic diseases. Last evaluated: 2022-12-16. Review status: criteria provided, single submitter. Criteria: Ambry Variant Classification Scheme 2023. Collection method: clinical testing. Allele origin: germline.

PreventionGenetics, part of Exact Sciences
Classification: Uncertain significance for AFF4-related condition. Last evaluated: 2024-02-12. Review status: no assertion criteria provided. Collection method: clinical testing. Allele origin: germline. Not counted in ClinVar's aggregate classification.
Comment: The AFF4 c.79G>A variant is predicted to result in the amino acid substitution p.Ala27Thr. To our knowledge, this variant has not been reported in the literature. This variant is reported in 0.0062% of alleles in individuals of European (Non-Finnish) descent in gnomAD. At this time, the clinical significance of this variant is uncertain due to the absence of conclusive functional and genetic evidence.

NM_014423.4(AFF4):c.79G>A (p.Ala27Thr)

Gene: AFF4 (ALF transcription elongation factor 4; minus strand). Cytogenetic location: 5q31.1.
Variant type: single nucleotide variant.
Coding change: c.79G>A on transcript NM_014423.4 (MANE Select); coding-DNA position 79, G replaced by A.
Protein change: p.Ala27Thr; replaces alanine 27 with threonine.
Molecular consequence: missense variant.
Genome position (GRCh38, 1-based): chr5:132,937,111, C>T on the plus strand (G>A on the coding strand, the complement: AFF4 is on the minus strand). VCF-style: chr5-132937111-C-T. GRCh37 (hg19) VCF-style: chr5-132272803-C-T.
Other names: c.79G>A (NM_014423.3); short protein forms A27T.
Identifiers: ClinVar variation 2192863 (VCV002192863.7), dbSNP rs760715292, ClinGen allele CA3409518.